The following is an entry in ClinVar:

ClinVar aggregate classification (germline): Uncertain significance (1 of 4 stars; one submission).

Conditions:
Epileptic encephalopathy. Identifiers: MedGen C0543888, HP:0200134.

Allele frequency attached by ClinVar (database versions not stated): gnomAD exomes 0.00002 and 0.00003; TOPMed 0.00002; ExAC 0.00003.

Submission:

Labcorp Genetics (formerly Invitae), Labcorp
Classification: Uncertain significance for Epileptic encephalopathy. Last evaluated: 2022-06-28. Review status: criteria provided, single submitter. Criteria: Invitae Variant Classification Sherloc (09022015). Collection method: clinical testing. Allele origin: germline.
Comment: Algorithms developed to predict the effect of missense changes on protein structure and function output the following: SIFT: "Tolerated"; PolyPhen-2: "Benign"; Align-GVGD: "Class C0". The methionine amino acid residue is found in multiple mammalian species, which suggests that this missense change does not adversely affect protein function. In summary, the available evidence is currently insufficient to determine the role of this variant in disease. Therefore, it has been classified as a Variant of Uncertain Significance. ClinVar contains an entry for this variant (Variation ID: 841328). This variant has not been reported in the literature in individuals affected with FASN-related conditions. This variant is present in population databases (rs758996208, gnomAD 0.006%). This sequence change replaces valine, which is neutral and non-polar, with methionine, which is neutral and non-polar, at codon 1973 of the FASN protein (p.Val1973Met).

NM_004104.5(FASN):c.5917G>A (p.Val1973Met)

Gene: FASN (fatty acid synthase; minus strand). Cytogenetic location: 17q25.3.
Variant type: single nucleotide variant.
Coding change: c.5917G>A on transcript NM_004104.5 (MANE Select); coding-DNA position 5917, G replaced by A.
Protein change: p.Val1973Met; replaces valine 1973 with methionine.
Molecular consequence: missense variant.
Genome position (GRCh38, 1-based): chr17:82,082,529, C>T on the plus strand (G>A on the coding strand, the complement: FASN is on the minus strand). VCF-style: chr17-82082529-C-T. GRCh37 (hg19) VCF-style: chr17-80040405-C-T.
Other names: short protein forms V1973M.
Identifiers: ClinVar variation 841328 (VCV000841328.9), dbSNP rs758996208, ClinGen allele CA8851510.
Genomic context (GRCh38, chr17:82,082,529, plus strand): 5'-CAGGGTCCCCCCCTTGGTCTTGGGGCTTTTGAGGGCCCCATTTGGGGCCTTCCCTCACCA[C>T]GGCCAGGTTGAAGACGCCGCCCACGGGCCCAAGCTGCGCCGCCTCGGCAATGAGGCCCCG-3'
Protein context (NP_004095.4, residues 1963-1983): GPVGGVFNLA[Val1973Met]VLRDGLLENQ